The following is an entry in ClinVar:

ClinVar aggregate classification (germline): Uncertain significance (1 of 4 stars; one submission).

gnomAD v4.1: 31 of 1,607,632 alleles (0.0019%); highest among the groups gnomAD compares: Middle Eastern, 0.017%; no homozygotes.

Submission:

Labcorp Genetics (formerly Invitae), Labcorp
Classification: Uncertain significance. Last evaluated: 2024-08-11. Review status: criteria provided, single submitter. Criteria: Invitae Variant Classification Sherloc (09022015). Collection method: clinical testing. Allele origin: germline.
Comment: This sequence change replaces valine, which is neutral and non-polar, with isoleucine, which is neutral and non-polar, at codon 1606 of the FOCAD protein (p.Val1606Ile). This variant is present in population databases (rs143069254, gnomAD 0.01%). This variant has not been reported in the literature in individuals affected with FOCAD-related conditions. Experimental studies and prediction algorithms are not available or were not evaluated, and the functional significance of this variant is currently unknown. In summary, the available evidence is currently insufficient to determine the role of this variant in disease. Therefore, it has been classified as a Variant of Uncertain Significance.

NM_001375567.1(FOCAD):c.4816G>A (p.Val1606Ile)

Gene: FOCAD (focadhesin; plus strand). Cytogenetic location: 9p21.3.
Variant type: single nucleotide variant.
Coding change: c.4816G>A on transcript NM_001375567.1 (MANE Select); coding-DNA position 4816, G replaced by A.
Protein change: p.Val1606Ile; replaces valine 1606 with isoleucine.
Molecular consequence: missense variant.
Genome position (GRCh38, 1-based): chr9:20,986,375, G>A. VCF-style: chr9-20986375-G-A. GRCh37 (hg19) VCF-style: chr9-20986374-G-A.
Other names: c.4711G>A, p.Val1571Ile (NM_001375568.1, NM_001375570.1); c.4816G>A, p.Val1606Ile (NM_017794.5); short protein forms V1571I, V1606I.
Identifiers: ClinVar variation 3631708 (VCV003631708.2).